The following is an entry in ClinVar:

ClinVar aggregate classification (germline): Uncertain significance (1 of 4 stars; one submission).

Submission:

Women's Health and Genetics/Laboratory Corporation of America, LabCorp
Classification: Uncertain significance. Last evaluated: 2025-01-28. Review status: criteria provided, single submitter. Criteria: LabCorp Variant Classification Summary - May 2015. Collection method: clinical testing. Allele origin: germline.
Comment: Variant summary: CFTR c.1021T>G (p.Ser341Ala) results in a conservative amino acid change located in the ABC transporter type 1, transmembrane domain (IPR011527) of the encoded protein sequence. Four of five in-silico tools predict a damaging effect of the variant on protein function. The variant was absent in 251226 control chromosomes. The available data on variant occurrences in the general population are insufficient to allow any conclusion about variant significance. To our knowledge, no occurrence of c.1021T>G in individuals affected with Cystic Fibrosis and no experimental evidence demonstrating its impact on protein function have been reported. A different variant affecting the same codon has been classified as pathogenic by our lab (c.1021T>C, p.Ser341Pro), supporting the critical relevance of codon 341 to CFTR protein function. No submitters have cited clinical-significance assessments for this variant to ClinVar. Based on the evidence outlined above, the variant was classified as uncertain significance.

NM_000492.4(CFTR):c.1021T>G (p.Ser341Ala)

Gene: CFTR (CF transmembrane conductance regulator; plus strand). Cytogenetic location: 7q31.2.
Variant type: single nucleotide variant.
Coding change: c.1021T>G on transcript NM_000492.4 (MANE Select); coding-DNA position 1021, T replaced by G.
Protein change: p.Ser341Ala; replaces serine 341 with alanine.
Molecular consequence: missense variant.
Genome position (GRCh38, 1-based): chr7:117,540,251, T>G. VCF-style: chr7-117540251-T-G. GRCh37 (hg19) VCF-style: chr7-117180305-T-G.
Other names: short protein forms S341A.
Identifiers: ClinVar variation 3769368 (VCV003769368.2).